The following is an entry in ClinVar:

ClinVar aggregate classification (germline): Uncertain significance (1 of 4 stars; one submission).

Conditions:
Arrhythmogenic cardiomyopathy with wooly hair and keratoderma. Also called: Carvajal syndrome; PALMOPLANTAR KERATODERMA WITH LEFT VENTRICULAR CARDIOMYOPATHY AND WOOLLY HAIR; Dilated cardiomyopathy with woolly hair and keratoderma; Arrhythmogenic cardiomyopathy with woolly hair and keratoderma. Identifiers: Orphanet 65282, MedGen C1854063, MONDO:0011581, OMIM 605676.

Submission:

All of Us Research Program, National Institutes of Health
Classification: Uncertain significance for Arrhythmogenic cardiomyopathy with wooly hair and keratoderma. Last evaluated: 2024-08-06. Review status: criteria provided, single submitter. Criteria: ACMG Guidelines, 2015. Collection method: clinical testing. Allele origin: germline. Inheritance: Autosomal dominant inheritance. Observed: 1 variant allele, 1 heterozygote.
Comment: This study involves interpretation of variants in research participants for the purpose of population health screening. Participant phenotype was not available at the time of variant classification. Additional details can be found in publication PMID: 35346344, PMCID: PMC8962531

NM_004415.4(DSP):c.3101T>A (p.Ile1034Asn)

Gene: DSP (desmoplakin; plus strand). Cytogenetic location: 6p24.3.
Variant type: single nucleotide variant.
Coding change: c.3101T>A on transcript NM_004415.4 (MANE Select); coding-DNA position 3101, T replaced by A.
Protein change: p.Ile1034Asn; replaces isoleucine 1034 with asparagine.
Molecular consequence: missense variant.
Genome position (GRCh38, 1-based): chr6:7,579,291, T>A. VCF-style: chr6-7579291-T-A. GRCh37 (hg19) VCF-style: chr6-7579524-T-A.
Other names: c.3101T>A, p.Ile1034Asn (NM_001008844.3, NM_001319034.2); short protein forms I1034N.
Identifiers: ClinVar variation 3386654 (VCV003386654.1).